The following is an entry in ClinVar:

ClinVar aggregate classification (germline): Conflicting classifications of pathogenicity. Review status: criteria provided, conflicting classifications (1 of 4 stars). 4 submissions from 4 submitters: Uncertain significance (1); Likely benign (3). Last evaluated 2025-10-13.

Conditions:
Acrocallosal syndrome (ACLS). Also called: Schinzel syndrome 1; Absence of corpus callosum with unusual facial appearance, mental deficiency, duplication of the halluces and polydactyly; HALLUX DUPLICATION, POSTAXIAL POLYDACTYLY, AND ABSENCE OF CORPUS CALLOSUM. Identifiers: Orphanet 36, MedGen C0796147, MONDO:0008708, OMIM 200990.

Allele frequency attached by ClinVar (database versions not stated): gnomAD 0.00001; gnomAD exomes 0.00002 and 0.00003; TOPMed 0.00002; ExAC 0.00009.
gnomAD v4.1: 35 of 1,551,768 alleles (0.0023%); highest among the groups gnomAD compares: Non-Finnish European, 0.0014%; no homozygotes.

Submissions (4):

Labcorp Genetics (formerly Invitae), Labcorp
Classification: Likely benign for Acrocallosal syndrome. Last evaluated: 2025-10-13. Review status: criteria provided, single submitter. Criteria: Invitae Variant Classification Sherloc (09022015). Collection method: clinical testing. Allele origin: germline.

Blueprint Genetics
Classification: Likely benign. Last evaluated: 2024-11-22. Review status: criteria provided, single submitter. Criteria: ACMG Guidelines, 2015. Collection method: clinical testing. Allele origin: germline.

CeGaT Center for Human Genetics Tuebingen
Classification: Likely benign. Last evaluated: 2023-10-01. Review status: criteria provided, single submitter. Criteria: CeGaT Center For Human Genetics Tuebingen Variant Classification Criteria Version 2. Collection method: clinical testing. Allele origin: germline. Affected: yes. Observed: 1 variant allele.
Comment: KIF7: BP4, BP7

Eurofins Ntd Llc (ga)
Classification: Uncertain significance. Last evaluated: 2014-11-19. Review status: criteria provided, single submitter. Criteria: EGL Classification Definitions 2015. Collection method: clinical testing. Allele origin: germline. Observed: 1 variant allele, 1 heterozygote.

NM_198525.3(KIF7):c.510A>G (p.Glu170=)

Gene: KIF7 (kinesin family member 7; minus strand). Cytogenetic location: 15q26.1.
Variant type: single nucleotide variant.
Coding change: c.510A>G on transcript NM_198525.3 (MANE Select); coding-DNA position 510, A replaced by G.
Protein change: p.Glu170=; no amino-acid change (glutamic acid 170 retained).
Molecular consequence: synonymous variant.
Genome position (GRCh38, 1-based): chr15:89,649,760, T>C on the plus strand (A>G on the coding strand, the complement: KIF7 is on the minus strand). VCF-style: chr15-89649760-T-C. GRCh37 (hg19) VCF-style: chr15-90192991-T-C.
Identifiers: ClinVar variation 196603 (VCV000196603.37), dbSNP rs761029778, ClinGen allele CA020417.